The following is an entry in ClinVar:

NM_022089.4(ATP13A2):c.787A>G (p.Ile263Val)

Gene: ATP13A2 (ATPase cation transporting 13A2; minus strand). Cytogenetic location: 1p36.13.
Variant type: single nucleotide variant.
Coding change: c.787A>G on transcript NM_022089.4 (MANE Select); coding-DNA position 787, A replaced by G.
Protein change: p.Ile263Val; replaces isoleucine 263 with valine.
Molecular consequence: missense variant.
Genome position (GRCh38, 1-based): chr1:17,000,453, T>C on the plus strand (A>G on the coding strand, the complement: ATP13A2 is on the minus strand). VCF-style: chr1-17000453-T-C. GRCh37 (hg19) VCF-style: chr1-17326948-T-C.
Other names: c.772A>G, p.Ile258Val (NM_001141973.3, NM_001141974.3); short protein forms I263V, I258V.
Identifiers: ClinVar variation 588554 (VCV000588554.5), dbSNP rs911196210, ClinGen allele CA18642243.

ClinVar aggregate classification (germline): Uncertain significance (1 of 4 stars; one submission).

Conditions:
Inborn genetic diseases. Identifiers: MedGen C0950123, MeSH D030342.

Allele frequency attached by ClinVar (database versions not stated): TOPMed 0.00001.
gnomAD v4.1: 5 of 1,613,978 alleles (0.00031%); highest among the groups gnomAD compares: Middle Eastern, 0.016%; no homozygotes.

Submission:

Ambry Genetics
Classification: Uncertain significance for Inborn genetic diseases. Last evaluated: 2016-12-15. Review status: criteria provided, single submitter. Criteria: Ambry Variant Classification Scheme 2023. Collection method: clinical testing. Allele origin: germline.
Comment: The p.I263V variant (also known as c.787A>G), located in coding exon 9 of the ATP13A2 gene, results from an A to G substitution at nucleotide position 787. The isoleucine at codon 263 is replaced by valine, an amino acid with highly similar properties. This amino acid position is highly conserved in available vertebrate species. In addition, this alteration is predicted to be deleterious by in silico analysis. Since supporting evidence is limited at this time, the clinical significance of this variant remains unclear.